The following is an entry in ClinVar:

NM_016156.6(MTMR2):c.1630A>G (p.Ile544Val)

Gene: MTMR2 (myotubularin related protein 2; minus strand). Cytogenetic location: 11q21.
Variant type: single nucleotide variant.
Coding change: c.1630A>G on transcript NM_016156.6 (MANE Select); coding-DNA position 1630, A replaced by G.
Protein change: p.Ile544Val; replaces isoleucine 544 with valine.
Molecular consequence: missense variant.
Genome position (GRCh38, 1-based): chr11:95,836,288, T>C on the plus strand (A>G on the coding strand, the complement: MTMR2 is on the minus strand). VCF-style: chr11-95836288-T-C. GRCh37 (hg19) VCF-style: chr11-95569452-T-C.
Other names: c.1414A>G, p.Ile472Val (NM_001243571.2, NM_201278.3, NM_201281.3); short protein forms I544V, I472V.
Identifiers: ClinVar variation 543345 (VCV000543345.6), dbSNP rs781368440, ClinGen allele CA6239909.

ClinVar aggregate classification (germline): Uncertain significance. Review status: criteria provided, multiple submitters, no conflicts (2 of 4 stars). 2 submissions from 2 submitters: Uncertain significance (2). Last evaluated 2021-10-21.

Conditions:
Charcot-Marie-Tooth disease type 4. Also called: Charcot-Marie-Tooth, Type 4; Charcot-Marie-Tooth disease, type IV. Identifiers: Orphanet 64749, MedGen C4082197, MONDO:0018995.
Inborn genetic diseases. Identifiers: MedGen C0950123, MeSH D030342.

Allele frequency attached by ClinVar (database versions not stated): gnomAD 0.00001; gnomAD exomes 0.00001 and 0.00002; ExAC 0.00002; TOPMed 0.00005.
gnomAD v4.1: 37 of 1,612,892 alleles (0.0023%); highest among the groups gnomAD compares: Non-Finnish European, 0.003%; no homozygotes.

Submissions (2):

Labcorp Genetics (formerly Invitae), Labcorp
Classification: Uncertain significance for Charcot-Marie-Tooth disease type 4. Last evaluated: 2021-10-21. Review status: criteria provided, single submitter. Criteria: Invitae Variant Classification Sherloc (09022015). Collection method: clinical testing. Allele origin: germline.
Comment: This sequence change replaces isoleucine with valine at codon 544 of the MTMR2 protein (p.Ile544Val). The isoleucine residue is moderately conserved and there is a small physicochemical difference between isoleucine and valine. This variant is present in population databases (rs781368440, ExAC 0.003%). This variant has not been reported in the literature in individuals affected with MTMR2-related conditions. Algorithms developed to predict the effect of missense changes on protein structure and function (SIFT, PolyPhen-2, Align-GVGD) all suggest that this variant is likely to be tolerated. In summary, the available evidence is currently insufficient to determine the role of this variant in disease. Therefore, it has been classified as a Variant of Uncertain Significance.

Ambry Genetics
Classification: Uncertain significance for Inborn genetic diseases. Last evaluated: 2021-04-11. Review status: criteria provided, single submitter. Criteria: Ambry Variant Classification Scheme 2023. Collection method: clinical testing. Allele origin: germline.
Comment: The p.I544V variant (also known as c.1630A>G), located in coding exon 14 of the MTMR2 gene, results from an A to G substitution at nucleotide position 1630. The isoleucine at codon 544 is replaced by valine, an amino acid with highly similar properties. This amino acid position is well conserved in available vertebrate species. In addition, this alteration is predicted to be tolerated by in silico analysis. Since supporting evidence is limited at this time, the clinical significance of this alteration remains unclear.